The following is an entry in ClinVar:

NM_000532.5(PCCB):c.1317T>C (p.Tyr439=)

Gene: PCCB (propionyl-CoA carboxylase subunit beta; plus strand). Cytogenetic location: 3q22.3.
Variant type: single nucleotide variant.
Coding change: c.1317T>C on transcript NM_000532.5 (MANE Select); coding-DNA position 1317, T replaced by C.
Protein change: p.Tyr439=; no amino-acid change (tyrosine 439 retained).
Molecular consequence: synonymous variant.
Genome position (GRCh38, 1-based): chr3:136,327,651, T>C. VCF-style: chr3-136327651-T-C. GRCh37 (hg19) VCF-style: chr3-136046493-T-C.
Other names: c.1377T>C, p.Tyr459= (NM_001178014.2).
Identifiers: ClinVar variation 680434 (VCV000680434.14), dbSNP rs199541514, ClinGen allele CA2632150.

ClinVar aggregate classification (germline): Likely benign. Review status: criteria provided, multiple submitters, no conflicts (2 of 4 stars). 4 submissions from 4 submitters: Likely benign (3). 1 of the submissions does not count toward it. Last evaluated 2025-11-09.

Conditions:
Propionic acidemia (PROP). Also called: GLYCINEMIA, KETOTIC; HYPERGLYCINEMIA WITH KETOACIDOSIS AND LEUKOPENIA; KETOTIC HYPERGLYCINEMIA. Identifiers: Orphanet 35, MedGen C0268579, MONDO:0011628, OMIM 606054, HP:0003571.

Allele frequency attached by ClinVar (database versions not stated): gnomAD 0.00002 and 0.00003; gnomAD exomes 0.00005 and 0.00014; TOPMed 0.00011; 1000 Genomes Project 0.00020; ExAC 0.00021; 1000 Genomes Project 30x 0.00031.
gnomAD v4.1: 76 of 1,613,532 alleles (0.0047%); highest among the groups gnomAD compares: Middle Eastern, 0.083%; no homozygotes.

Submissions (4):

Labcorp Genetics (formerly Invitae), Labcorp
Classification: Likely benign for Propionic acidemia. Last evaluated: 2025-11-09. Review status: criteria provided, single submitter. Criteria: Invitae Variant Classification Sherloc (09022015). Collection method: clinical testing. Allele origin: germline.

GeneDx
Classification: Likely benign. Last evaluated: 2018-03-23. Review status: criteria provided, single submitter. Criteria: GeneDx Variant Classification (06012015). Collection method: clinical testing. Allele origin: germline. Affected: yes.
Comment: This variant is considered likely benign or benign based on one or more of the following criteria: it is a conservative change, it occurs at a poorly conserved position in the protein, it is predicted to be benign by multiple in silico algorithms, and/or has population frequency not consistent with disease.

Breakthrough Genomics
Classification: Likely benign. Review status: criteria provided, single submitter. Criteria: ACMG Guidelines, 2015. Collection method: not provided. Allele origin: germline. Inheritance: Autosomal recessive inheritance. Affected: yes.

Natera, Inc.
Classification: Likely benign for Propionic acidemia. Last evaluated: 2020-04-22. Review status: no assertion criteria provided. Collection method: clinical testing. Allele origin: germline. Not counted in ClinVar's aggregate classification.